The following is an entry in ClinVar:

ClinVar aggregate classification (germline): Uncertain significance. Review status: criteria provided, multiple submitters, no conflicts (2 of 4 stars). 6 submissions from 6 submitters: Uncertain significance (6). Last evaluated 2026-07-16.

Conditions:
Myopathy, myofibrillar, 9, with early respiratory failure (MFM9). Also called: Myopathy, distal, with early respiratory failure, autosomal dominant; Hereditary myopathy with early respiratory failure; EDSTROM MYOPATHY; MYOPATHY, PROXIMAL, WITH EARLY RESPIRATORY MUSCLE INVOLVEMENT. Identifiers: Orphanet 178464, Orphanet 34521, MedGen C1863599, MONDO:0011362, OMIM 603689.
TTN-related disorder. Also called: TTN-related disorders; TTN-related condition; TTN-related disease.

Allele frequency attached by ClinVar (database versions not stated): ExAC 0.00001; gnomAD 0.00001; gnomAD exomes 0.00001 and 0.00002; TOPMed 0.00001; ESP Exome Variant Server 0.00008.
gnomAD v4.1: 25 of 1,603,304 alleles (0.0016%); highest among the groups gnomAD compares: Non-Finnish European, 0.0018%; no homozygotes.

Submissions (6):

PreventionGenetics, part of Exact Sciences
Classification: Uncertain significance for TTN-related condition. Last evaluated: 2026-07-16. Review status: criteria provided, single submitter. Criteria: ACMG Guidelines, 2015. Collection method: clinical testing. Allele origin: germline.
Comment: The TTN c.23669G>T variant is predicted to result in the amino acid substitution p.Arg7890Ile. This variant has been reported as a variant of uncertain significance in an individual with hypertrophic cardiomyopathy (described as p.Arg7573Ile, Koutsofti et al. 2024. PubMed ID: 38540378). This variant is reported in 0.0027% of alleles in individuals of European (Non-Finnish) descent in gnomAD. At this time, the clinical significance of this variant is uncertain due to the absence of conclusive functional and genetic evidence.

GeneDx
Classification: Uncertain significance. Last evaluated: 2026-04-24. Review status: criteria provided, single submitter. Criteria: GeneDx Variant Classification Process June 2021. Collection method: clinical testing. Allele origin: germline.
Comment: Not observed at significant frequency in large population cohorts (gnomAD); Missense variant in a gene in which most reported pathogenic variants are truncating/loss of function; This variant is associated with the following publications: (PMID: 38540378)

CeGaT Center for Human Genetics Tuebingen
Classification: Uncertain significance. Last evaluated: 2024-09-01. Review status: criteria provided, single submitter. Criteria: CeGaT Center For Human Genetics Tuebingen Variant Classification Criteria Version 2. Collection method: clinical testing. Allele origin: germline. Affected: yes. Observed: 1 variant allele.
Comment: TTN: PM2, BP4

Mayo Clinic Laboratories, Mayo Clinic
Classification: Uncertain significance. Last evaluated: 2024-08-15. Review status: criteria provided, single submitter. Criteria: ACMG Guidelines, 2015. Collection method: clinical testing. Allele origin: germline. Observed: 1 variant allele.
Comment: PM2

Revvity Omics, Revvity
Classification: Uncertain significance. Last evaluated: 2022-06-16. Review status: criteria provided, single submitter. Criteria: ACMG Guidelines, 2015. Collection method: clinical testing. Allele origin: germline.

Baylor Genetics
Classification: Uncertain significance for Myopathy, myofibrillar, 9, with early respiratory failure. Last evaluated: 2018-11-27. Review status: criteria provided, single submitter. Criteria: ACMG Guidelines, 2015. Collection method: clinical testing. Allele origin: paternal. Affected: yes.
Comment: This variant was determined to be of uncertain significance according to ACMG Guidelines, 2015 [PMID:25741868].

Literature cited by the submitters: PubMed 38540378 (cited by Mayo Clinic Laboratories, Mayo Clinic).

NM_001267550.2(TTN):c.23669G>T (p.Arg7890Ile)

Gene: TTN (titin; minus strand). Cytogenetic location: 2q31.2.
Variant type: single nucleotide variant.
Coding change: c.23669G>T on transcript NM_001267550.2 (MANE Select); coding-DNA position 23669, G replaced by T.
Protein change: p.Arg7890Ile; replaces arginine 7890 with isoleucine.
Molecular consequence: missense variant. On other transcripts: intron variant (3).
Genome position (GRCh38, 1-based): chr2:178,719,823, C>A on the plus strand (G>T on the coding strand, the complement: TTN is on the minus strand). VCF-style: chr2-178719823-C-A. GRCh37 (hg19) VCF-style: chr2-179584550-C-A.
Other names: p.Arg6646Ile; c.22718G>T, p.Arg7573Ile (NM_001256850.1); c.19937G>T, p.Arg6646Ile (NM_133378.4); c.13282+18259G>T (NM_003319.4); c.13858+18259G>T (NM_133437.4); c.13657+18259G>T (NM_133432.3); c.23669G>T (NM_001267550.1); short protein forms R6646I, R7890I, R7573I.
Identifiers: ClinVar variation 1033055 (VCV001033055.21), dbSNP rs370939248, ClinGen allele CA2000582.